The following is an entry in ClinVar:

NM_000289.6(PFKM):c.52A>G (p.Ile18Val)

Gene: PFKM (phosphofructokinase, muscle; plus strand). Cytogenetic location: 12q13.11.
Variant type: single nucleotide variant.
Coding change: c.52A>G on transcript NM_000289.6 (MANE Select); coding-DNA position 52, A replaced by G.
Protein change: p.Ile18Val; replaces isoleucine 18 with valine.
Molecular consequence: missense variant. On other transcripts: 5 prime UTR variant (3), non-coding transcript variant (6).
Genome position (GRCh38, 1-based): chr12:48,122,826, A>G. VCF-style: chr12-48122826-A-G. GRCh37 (hg19) VCF-style: chr12-48516609-A-G.
Other names: c.265A>G, p.Ile89Val (NM_001166686.2, NM_001354737.1, NM_001354738.1 and 1 more transcripts); c.52A>G, p.Ile18Val (NM_001166687.2, NM_001166688.2, NM_001354742.2 and 4 more transcripts); c.361A>G, p.Ile121Val (NM_001354735.1, NM_001354736.1); c.196A>G, p.Ile66Val (NM_001354740.1); c.76A>G, p.Ile26Val (NM_001354741.2); c.-274A>G (NM_001354745.2); c.-25A>G (NM_001354747.2, NM_001354748.2); short protein forms I121V, I18V, I26V, I66V, I89V.
Identifiers: ClinVar variation 1312050 (VCV001312050.4), dbSNP rs150405056, ClinGen allele CA6536835.

ClinVar aggregate classification (germline): Uncertain significance. Review status: criteria provided, multiple submitters, no conflicts (2 of 4 stars). 3 submissions from 3 submitters: Uncertain significance (3). Last evaluated 2023-02-25.

Conditions:
Glycogen storage disease, type VII (GSD7). Also called: TARUI DISEASE; GSD VII; MUSCLE PHOSPHOFRUCTOKINASE DEFICIENCY; PFKM DEFICIENCY. Identifiers: Orphanet 371, MedGen C0017926, MONDO:0009295, OMIM 232800.

Allele frequency attached by ClinVar (database versions not stated): gnomAD exomes 0.00002 and 0.00007; ExAC 0.00008; 1000 Genomes Project 30x 0.00016; gnomAD 0.00017 and 0.00020; 1000 Genomes Project 0.00020; TOPMed 0.00023; ESP Exome Variant Server 0.00031.
gnomAD v4.1: 64 of 1,614,140 alleles (0.004%); highest among the groups gnomAD compares: African/African-American, 0.076%; no homozygotes.

Submissions (3):

ARUP Laboratories, Molecular Genetics and Genomics, ARUP Laboratories
Classification: Uncertain significance for Glycogen storage disease, type VII. Last evaluated: 2023-02-25. Review status: criteria provided, single submitter. Criteria: ARUP Molecular Germline Variant Investigation Process 2024. Collection method: clinical testing. Allele origin: germline.

Labcorp Genetics (formerly Invitae), Labcorp
Classification: Uncertain significance for Glycogen storage disease, type VII. Last evaluated: 2021-11-23. Review status: criteria provided, single submitter. Criteria: Invitae Variant Classification Sherloc (09022015). Collection method: clinical testing. Allele origin: germline.
Comment: This sequence change replaces isoleucine, which is neutral and non-polar, with valine, which is neutral and non-polar, at codon 18 of the PFKM protein (p.Ile18Val). This variant is present in population databases (rs150405056, gnomAD 0.09%). This variant has not been reported in the literature in individuals affected with PFKM-related conditions. ClinVar contains an entry for this variant (Variation ID: 1312050). Algorithms developed to predict the effect of missense changes on protein structure and function are either unavailable or do not agree on the potential impact of this missense change (SIFT: "Tolerated"; PolyPhen-2: "Probably Damaging"; Align-GVGD: "Class C0"). In summary, the available evidence is currently insufficient to determine the role of this variant in disease. Therefore, it has been classified as a Variant of Uncertain Significance.

GeneDx
Classification: Uncertain significance. Last evaluated: 2019-09-19. Review status: criteria provided, single submitter. Criteria: GeneDx Variant Classification Process June 2021. Collection method: clinical testing. Allele origin: germline. Affected: yes.
Comment: In silico analysis, which includes protein predictors and evolutionary conservation, supports that this variant does not alter protein structure/function; Has not been previously published as pathogenic or benign to our knowledge